The following is an entry in ClinVar:

NM_001378615.1(CC2D2A):c.1670G>C (p.Ser557Thr)

Genes: CC2D2A (coiled-coil and C2 domain containing 2A; plus strand), FBXL5 (F-box and leucine rich repeat protein 5; minus strand). Cytogenetic location: 4p15.32.
Variant type: single nucleotide variant.
Coding change: c.1670G>C on transcript NM_001378615.1 (MANE Select); coding-DNA position 1670, G replaced by C.
Protein change: p.Ser557Thr; replaces serine 557 with threonine.
Molecular consequence: missense variant.
Genome position (GRCh38, 1-based): chr4:15,536,982, G>C. VCF-style: chr4-15536982-G-C. GRCh37 (hg19) VCF-style: chr4-15538605-G-C.
Other names: c.1670G>C, p.Ser557Thr (NM_001080522.2); c.1523G>C, p.Ser508Thr (NM_001378617.1); short protein forms S508T, S557T.
Identifiers: ClinVar variation 1002281 (VCV001002281.10), dbSNP rs1479599144, ClinGen allele CA356411302.

ClinVar aggregate classification (germline): Uncertain significance. Review status: criteria provided, multiple submitters, no conflicts (2 of 4 stars). 2 submissions from 2 submitters: Uncertain significance (2). Last evaluated 2025-09-10.

Conditions:
Joubert syndrome. Also called: JOUBERT-BOLTSHAUSER SYNDROME; Familial aplasia of the vermis. Identifiers: Orphanet 475, MedGen C5979921, MONDO:0018772.
Meckel-Gruber syndrome. Also called: Dysencephalia splachnocystica; DYSENCEPHALIA SPLANCHNOCYSTICA; GRUBER SYNDROME. Identifiers: Orphanet 564, MedGen C0265215, MONDO:0018921.
Inborn genetic diseases. Identifiers: MedGen C0950123, MeSH D030342.

Submissions (2):

Ambry Genetics
Classification: Uncertain significance for Inborn genetic diseases. Last evaluated: 2025-09-10. Review status: criteria provided, single submitter. Criteria: Ambry Variant Classification Scheme 2023. Collection method: clinical testing. Allele origin: germline.

Labcorp Genetics (formerly Invitae), Labcorp
Classification: Uncertain significance for Joubert syndrome; Meckel-Gruber syndrome. Last evaluated: 2022-02-11. Review status: criteria provided, single submitter. Criteria: Invitae Variant Classification Sherloc (09022015). Collection method: clinical testing. Allele origin: germline.
Comment: This sequence change replaces serine, which is neutral and polar, with threonine, which is neutral and polar, at codon 557 of the CC2D2A protein (p.Ser557Thr). This variant is not present in population databases (gnomAD no frequency). This variant has not been reported in the literature in individuals affected with CC2D2A-related conditions. ClinVar contains an entry for this variant (Variation ID: 1002281). Advanced modeling of protein sequence and biophysical properties (such as structural, functional, and spatial information, amino acid conservation, physicochemical variation, residue mobility, and thermodynamic stability) performed at Invitae indicates that this missense variant is not expected to disrupt CC2D2A protein function. In summary, the available evidence is currently insufficient to determine the role of this variant in disease. Therefore, it has been classified as a Variant of Uncertain Significance.